The following is an entry in ClinVar:

NM_002890.3(RASA1):c.302_322del (p.Gly101_Val107del)

Gene: RASA1 (RAS p21 protein activator 1; plus strand). Cytogenetic location: 5q14.3.
Variant type: Deletion.
Coding change: c.302_322del on transcript NM_002890.3 (MANE Select); coding-DNA positions 302 to 322, 21 bases deleted (GCGTGGCCGGTGCTGCTGTTG).
Protein change: p.Gly101_Val107del.
Molecular consequence: inframe deletion.
Genome position (GRCh38, 1-based): chr5:87,268,753-87,268,773, GCGTGGCCGGTGCTGCTGTTG deleted; deleting any 21 consecutive bases within chr5:87,268,751-87,268,773 gives the same sequence; the c. name uses the placement nearest the transcript's 3' end. VCF-style (leftmost placement, unchanged base first): chr5-87268750-CTGGCGTGGCCGGTGCTGCTGT-C. GRCh37 (hg19) VCF-style: chr5-86564567-CTGGCGTGGCCGGTGCTGCTGT-C.
Identifiers: ClinVar variation 1379310 (VCV001379310.8), dbSNP rs1258942509, ClinGen allele CA561260889.

ClinVar aggregate classification (germline): Uncertain significance (1 of 4 stars; one submission).

Conditions:
Capillary malformation-arteriovenous malformation syndrome. Also called: Capillary malformation-arteriovenous malformation. Identifiers: Orphanet 137667, MedGen C1842180, MONDO:0012016.

Submission:

Labcorp Genetics (formerly Invitae), Labcorp
Classification: Uncertain significance for Capillary malformation-arteriovenous malformation syndrome. Last evaluated: 2025-10-04. Review status: criteria provided, single submitter. Criteria: Invitae Variant Classification Sherloc (09022015). Collection method: clinical testing. Allele origin: germline.
Comment: This variant, c.302_322del, results in the deletion of 7 amino acid(s) of the RASA1 protein (p.Gly101_Val107del), but otherwise preserves the integrity of the reading frame. This variant is present in population databases (no rsID available, gnomAD 0.009%). This variant has not been reported in the literature in individuals affected with RASA1-related conditions. ClinVar contains an entry for this variant (Variation ID: 1379310). Experimental studies and prediction algorithms are not available or were not evaluated, and the functional significance of this variant is currently unknown. In summary, the available evidence is currently insufficient to determine the role of this variant in disease. Therefore, it has been classified as a Variant of Uncertain Significance.